The following is an entry in ClinVar:

ClinVar aggregate classification (germline): Benign. Review status: criteria provided, multiple submitters, no conflicts (2 of 4 stars). 4 submissions from 4 submitters: Benign (4). Last evaluated 2026-02-02.

Conditions:
Methylmalonic acidemia due to transcobalamin receptor defect (MATR). Also called: METHYLMALONIC ACIDEMIA, TCblR TYPE; METHYLMALONIC ACIDURIA, TRANSIENT, DUE TO TRANSCOBALAMIN RECEPTOR DEFECT. Identifiers: Orphanet 280183, MedGen C4749905, MONDO:0013341, OMIM 613646.

Allele frequency attached by ClinVar (database versions not stated): gnomAD 0.12037; 1000 Genomes Project 0.13339; TOPMed 0.12687; ESP Exome Variant Server 0.12962; 1000 Genomes Project 30x 0.13429.
gnomAD v4.1: 80,734 of 1,605,668 alleles (5%); highest among the groups gnomAD compares: African/African-American, 31%; 4,805 homozygotes.

Submissions (4):

Labcorp Genetics (formerly Invitae), Labcorp
Classification: Benign for Methylmalonic acidemia due to transcobalamin receptor defect. Last evaluated: 2026-02-02. Review status: criteria provided, single submitter. Criteria: Invitae Variant Classification Sherloc (09022015). Collection method: clinical testing. Allele origin: germline.

Mayo Clinic Laboratories, Mayo Clinic
Classification: Benign. Last evaluated: 2022-07-22. Review status: criteria provided, single submitter. Criteria: ACMG Guidelines, 2015. Collection method: clinical testing. Allele origin: germline. Observed: 11 variant alleles.

GeneDx
Classification: Benign. Last evaluated: 2013-11-26. Review status: criteria provided, single submitter. Criteria: GeneDx Variant Classification (06012015). Collection method: clinical testing. Allele origin: germline. Affected: yes.
Comment: This variant is considered likely benign or benign based on one or more of the following criteria: it is a conservative change, it occurs at a poorly conserved position in the protein, it is predicted to be benign by multiple in silico algorithms, and/or has population frequency not consistent with disease.

Breakthrough Genomics
Classification: Benign. Review status: criteria provided, single submitter. Criteria: ACMG Guidelines, 2015. Collection method: not provided. Allele origin: germline. Inheritance: Autosomal recessive inheritance. Affected: yes.

NM_016579.4(CD320):c.447G>T (p.Thr149=)

Gene: CD320 (CD320 molecule; minus strand). Cytogenetic location: 19p13.2.
Variant type: single nucleotide variant.
Coding change: c.447G>T on transcript NM_016579.4 (MANE Select); coding-DNA position 447, G replaced by T.
Protein change: p.Thr149=; no amino-acid change (threonine 149 retained).
Molecular consequence: synonymous variant.
Genome position (GRCh38, 1-based): chr19:8,303,910, C>A on the plus strand (G>T on the coding strand, the complement: CD320 is on the minus strand). VCF-style: chr19-8303910-C-A. GRCh37 (hg19) VCF-style: chr19-8368794-C-A.
Other names: p.T149T:ACG>ACT; p.Thr149=; c.321G>T, p.Thr107= (NM_001165895.2).
Identifiers: ClinVar variation 136680 (VCV000136680.12), dbSNP rs2232783, ClinGen allele CA289982.
Genomic context (GRCh38, chr19:8,303,910, plus strand): 5'-CATACCACAGCCGAGCTCGTCGCTGGAGTCGGGACAGTCTGGGTGGCCGTCGCAGCGCCA[C>A]GTGAGTGGAATGCAGTCATCGCTCAGCGTGCAACGGAGCTCGCCTGCTAGGCAGGCCAGG-3'
Protein context (NP_057663.1, residues 139-159): CTLSDDCIPL[Thr149=]WRCDGHPDCP